The following is an entry in ClinVar:

NM_002439.5(MSH3):c.1250G>T (p.Arg417Leu)

Gene: MSH3 (mutS homolog 3; plus strand). Cytogenetic location: 5q14.1.
Variant type: single nucleotide variant.
Coding change: c.1250G>T on transcript NM_002439.5 (MANE Select); coding-DNA position 1250, G replaced by T.
Protein change: p.Arg417Leu; replaces arginine 417 with leucine.
Molecular consequence: missense variant.
Genome position (GRCh38, 1-based): chr5:80,679,003, G>T. VCF-style: chr5-80679003-G-T. GRCh37 (hg19) VCF-style: chr5-79974822-G-T.
Other names: c.1250G>T (NM_002439.3); short protein forms R417L.
Identifiers: ClinVar variation 960832 (VCV000960832.10), dbSNP rs778162840, ClinGen allele CA360268973.

ClinVar aggregate classification (germline): Uncertain significance. Review status: criteria provided, multiple submitters, no conflicts (2 of 4 stars). 2 submissions from 2 submitters: Uncertain significance (2). Last evaluated 2025-05-05.

Conditions:
Hereditary cancer-predisposing syndrome. Also called: Tumor predisposition; Hereditary neoplastic syndrome; Neoplastic Syndromes, Hereditary; Hereditary Cancer Syndrome. Identifiers: Orphanet 140162, MedGen C0027672, MeSH D009386, MONDO:0015356.

gnomAD v4.1: 4 of 1,614,102 alleles (0.00025%); highest among the groups gnomAD compares: Non-Finnish European, 0.00034%; no homozygotes.

Submissions (2):

Labcorp Genetics (formerly Invitae), Labcorp
Classification: Uncertain significance. Last evaluated: 2025-05-05. Review status: criteria provided, single submitter. Criteria: Invitae Variant Classification Sherloc (09022015). Collection method: clinical testing. Allele origin: germline.
Comment: This sequence change replaces arginine, which is basic and polar, with leucine, which is neutral and non-polar, at codon 417 of the MSH3 protein (p.Arg417Leu). This variant is not present in population databases (gnomAD no frequency). This variant has not been reported in the literature in individuals affected with MSH3-related conditions. ClinVar contains an entry for this variant (Variation ID: 960832). An algorithm developed to predict the effect of missense changes on protein structure and function (PolyPhen-2) suggests that this variant is likely to be disruptive. In summary, the available evidence is currently insufficient to determine the role of this variant in disease. Therefore, it has been classified as a Variant of Uncertain Significance.

Ambry Genetics
Classification: Uncertain significance for Hereditary cancer-predisposing syndrome. Last evaluated: 2024-01-08. Review status: criteria provided, single submitter. Criteria: Ambry Variant Classification Scheme 2023. Collection method: clinical testing. Allele origin: germline.
Comment: The p.R417L variant (also known as c.1250G>T), located in coding exon 8 of the MSH3 gene, results from a G to T substitution at nucleotide position 1250. The arginine at codon 417 is replaced by leucine, an amino acid with dissimilar properties. This amino acid position is conserved. In addition, the in silico prediction for this alteration is inconclusive. Since supporting evidence is limited at this time, the clinical significance of this alteration remains unclear.